The following is an entry in ClinVar:

NM_001244008.2(KIF1A):c.3901+5G>A

Genes: KIF1A (kinesin family member 1A; minus strand), LOC126806583 (P300/CBP strongly-dependent group 1 enhancer GRCh37_chr2:241678910-241680109; plus strand). Cytogenetic location: 2q37.3.
Variant type: single nucleotide variant.
Coding change: c.3901+5G>A on transcript NM_001244008.2 (MANE Select); 5 bases into the intron after coding-DNA position 3901, G replaced by A.
Molecular consequence: intron variant.
Genome position (GRCh38, 1-based): chr2:240,740,053, C>T on the plus strand (G>A on the coding strand, the complement: KIF1A is on the minus strand). VCF-style: chr2-240740053-C-T. GRCh37 (hg19) VCF-style: chr2-241679470-C-T.
Other names: c.3598+5G>A (NM_001379653.1, NM_001379650.1, NM_001379641.1 and 5 more transcripts); c.3874+5G>A (NM_001379645.1, NM_001379633.1, NM_001379642.1); c.3700+5G>A (NM_001379635.1, NM_001330290.2, NM_001379646.1 and 1 more transcripts); c.3595+5G>A (NM_001379640.1); c.3850+5G>A (NM_001379632.1); c.3673+5G>A (NM_001379637.1, NM_001379648.1); c.3625+5G>A (NM_001320705.2, NM_001379638.1, NM_001330289.2); c.3976+5G>A (NM_001379631.1).
Identifiers: ClinVar variation 3754360 (VCV003754360.2).

ClinVar aggregate classification (germline): Uncertain significance (1 of 4 stars; one submission).

Conditions:
Neuropathy, hereditary sensory, type 2C. Also called: KIF1A-Related HSAN2 (HSAN2C); Hereditary sensory and autonomic neuropathy type IIC. Identifiers: Orphanet 970, MedGen C3280168, MONDO:0013634, OMIM 614213.
Hereditary spastic paraplegia 30. Identifiers: Orphanet 101010, MedGen C5235139, MONDO:0012476.
Intellectual disability, autosomal dominant 9 (NESCAVS). Also called: KIF1A-Related Neurodevelopmental Disorder; NESCAV SYNDROME. Identifiers: Orphanet 662367, MedGen C5393830, MONDO:0013656, OMIM 614255.

gnomAD v4.1: 1 of 1,577,422 alleles (0.000063%); highest among the groups gnomAD compares: Non-Finnish European, 0.000086%; no homozygotes.

Submission:

Labcorp Genetics (formerly Invitae), Labcorp
Classification: Uncertain significance for Hereditary spastic paraplegia 30; Neuropathy, hereditary sensory, type 2C; Intellectual disability, autosomal dominant 9. Last evaluated: 2024-02-02. Review status: criteria provided, single submitter. Criteria: Invitae Variant Classification Sherloc (09022015). Collection method: clinical testing. Allele origin: germline.
Comment: This sequence change falls in intron 34 of the KIF1A gene. It does not directly change the encoded amino acid sequence of the KIF1A protein. It affects a nucleotide within the consensus splice site. This variant is not present in population databases (gnomAD no frequency). This variant has not been reported in the literature in individuals affected with KIF1A-related conditions. Variants that disrupt the consensus splice site are a relatively common cause of aberrant splicing (PMID: 17576681, 9536098). Algorithms developed to predict the effect of sequence changes on RNA splicing suggest that this variant may disrupt the consensus splice site. In summary, the available evidence is currently insufficient to determine the role of this variant in disease. Therefore, it has been classified as a Variant of Uncertain Significance.

Literature cited by the submitters: PubMed 17576681; PubMed 9536098.